The following is an entry in ClinVar:

ClinVar aggregate classification (germline): Uncertain significance. Review status: criteria provided, multiple submitters, no conflicts (2 of 4 stars). 2 submissions from 2 submitters: Uncertain significance (2). Last evaluated 2025-02-15.

Conditions:
Brachydactyly type B1 (BDB1). Identifiers: Orphanet 572385, Orphanet 93383, MedGen C1862112, MONDO:0007220, OMIM 113000.
Autosomal recessive Robinow syndrome (RRS1). Also called: ROR2-Related Robinow Syndrome; ROBINOW SYNDROME, AUTOSOMAL RECESSIVE 1; COSTOVERTEBRAL SEGMENTATION DEFECT WITH MESOMELIA; COVESDEM SYNDROME. Identifiers: Orphanet 1507, Orphanet 97360, MedGen C5399974, MONDO:0009999, OMIM 268310.

gnomAD v4.1: 12 of 1,612,172 alleles (0.00074%); highest among the groups gnomAD compares: African/African-American, 0.0013%; no homozygotes.

Submissions (2):

Labcorp Genetics (formerly Invitae), Labcorp
Classification: Uncertain significance. Last evaluated: 2025-02-15. Review status: criteria provided, single submitter. Criteria: Invitae Variant Classification Sherloc (09022015). Collection method: clinical testing. Allele origin: germline.
Comment: This sequence change replaces glycine, which is neutral and non-polar, with serine, which is neutral and polar, at codon 823 of the ROR2 protein (p.Gly823Ser). This variant is present in population databases (rs753371692, gnomAD 0.006%). This variant has not been reported in the literature in individuals affected with ROR2-related conditions. ClinVar contains an entry for this variant (Variation ID: 1470687). An algorithm developed to predict the effect of missense changes on protein structure and function (PolyPhen-2) suggests that this variant is likely to be disruptive. In summary, the available evidence is currently insufficient to determine the role of this variant in disease. Therefore, it has been classified as a Variant of Uncertain Significance.

Fulgent Genetics
Classification: Uncertain significance for Brachydactyly type B1; Autosomal recessive Robinow syndrome. Last evaluated: 2024-05-16. Review status: criteria provided, single submitter. Criteria: ACMG Guidelines, 2015. Collection method: clinical testing. Allele origin: germline.

NM_004560.4(ROR2):c.2467G>A (p.Gly823Ser)

Gene: ROR2 (receptor tyrosine kinase like orphan receptor 2; minus strand). Cytogenetic location: 9q22.31.
Variant type: single nucleotide variant.
Coding change: c.2467G>A on transcript NM_004560.4 (MANE Select); coding-DNA position 2467, G replaced by A.
Protein change: p.Gly823Ser; replaces glycine 823 with serine.
Molecular consequence: missense variant.
Genome position (GRCh38, 1-based): chr9:91,724,027, C>T on the plus strand (G>A on the coding strand, the complement: ROR2 is on the minus strand). VCF-style: chr9-91724027-C-T. GRCh37 (hg19) VCF-style: chr9-94486309-C-T.
Other names: short protein forms G823S.
Identifiers: ClinVar variation 1470687 (VCV001470687.9), dbSNP rs753371692, ClinGen allele CA5120385.